The following is an entry in ClinVar:

NM_031443.4(CCM2):c.754_760del (p.Ser252fs)

Gene: CCM2 (CCM2 scaffold protein; plus strand). Cytogenetic location: 7p13.
Variant type: Deletion.
Coding change: c.754_760del on transcript NM_031443.4 (MANE Select); coding-DNA positions 754 to 760, 7 bases deleted (TCTACAA; older notation c.754_760delTCTACAA).
Protein change: p.Ser252fs; shifts the reading frame from serine 252.
Molecular consequence: frameshift variant. On other transcripts: non-coding transcript variant (1).
Genome position (GRCh38, 1-based): chr7:45,072,734-45,072,740, TCTACAA deleted. VCF-style (leftmost placement, unchanged base first): chr7-45072733-TTCTACAA-T. GRCh37 (hg19) VCF-style: chr7-45112332-TTCTACAA-T.
Other names: c.817_823del, p.Ser273fs (NM_001029835.2); c.580_586del, p.Ser194fs (NM_001167934.2); c.481_487del, p.Ser161fs (NM_001167935.2); c.877_883del, p.Ser293fs (NM_001363458.2); c.703_709del, p.Ser235fs (NM_001363459.2); c.754_760del7 (NM_031443.3); short protein forms S161fs, S273fs, S293fs, S194fs, S235fs, S252fs.
Identifiers: ClinVar variation 4992905 (VCV004992905.1).

ClinVar aggregate classification (germline): Likely pathogenic (1 of 4 stars; one submission).

Conditions:
CCM2-related disorder. Also called: CCM2-related condition.

Submission:

PreventionGenetics, part of Exact Sciences
Classification: Likely pathogenic for CCM2-related condition. Last evaluated: 2026-02-18. Review status: criteria provided, single submitter. Criteria: ACMG Guidelines, 2015. Collection method: clinical testing. Allele origin: germline.
Comment: The CCM2 c.754_760del7 variant is predicted to result in a frameshift and premature protein termination (p.Ser252Lysfs*38). To our knowledge, this variant has not been reported in the literature or in a large population database (gnomAD), indicating this variant is rare. Frameshift variants in CCM2 are expected to be pathogenic. This variant is interpreted as likely pathogenic.